The following is an entry in ClinVar:

NM_012120.3(CD2AP):c.978C>T (p.Val326=)

Gene: CD2AP (CD2 associated protein; plus strand). Cytogenetic location: 6p12.3.
Variant type: single nucleotide variant.
Coding change: c.978C>T on transcript NM_012120.3 (MANE Select); coding-DNA position 978, C replaced by T.
Protein change: p.Val326=; no amino-acid change (valine 326 retained).
Molecular consequence: synonymous variant.
Genome position (GRCh38, 1-based): chr6:47,579,459, C>T. VCF-style: chr6-47579459-C-T. GRCh37 (hg19) VCF-style: chr6-47547195-C-T.
Other names: c.978C>T (NM_012120.2).
Identifiers: ClinVar variation 2866285 (VCV002866285.5), dbSNP rs202236302, ClinGen allele CA3844163.
Genomic context (GRCh38, chr6:47,579,459, plus strand): 5'-TGGCTGGTGGAGGGGCGAACTTAATGGTAAAGAAGGAGTATTTCCAGACAATTTTGCTGT[C>T]CAGATAAATGAACTTGATAAAGACTTTCCAGTAAGCTTTTGTTTTTCAATGATGATAATA-3'
Protein context (NP_036252.1, residues 316-336): KEGVFPDNFA[Val326=]QINELDKDFP

ClinVar aggregate classification (germline): Benign. Review status: criteria provided, single submitter (1 of 4 stars). 2 submissions from 2 submitters: Benign (1). 1 of the submissions does not count toward it. Last evaluated 2023-08-14.

Conditions:
CD2AP-related disorder. Also called: CD2AP-related condition.

Allele frequency attached by ClinVar (database versions not stated): gnomAD exomes 0.00008; gnomAD 0.00010; TOPMed 0.00011; 1000 Genomes Project 30x 0.00016; ExAC 0.00018; 1000 Genomes Project 0.00020.
gnomAD v4.1: 125 of 1,609,120 alleles (0.0078%); highest among the groups gnomAD compares: East Asian, 0.26%; 1 homozygote.

Submissions (2):

Labcorp Genetics (formerly Invitae), Labcorp
Classification: Benign. Last evaluated: 2023-08-14. Review status: criteria provided, single submitter. Criteria: Invitae Variant Classification Sherloc (09022015). Collection method: clinical testing. Allele origin: germline.

PreventionGenetics, part of Exact Sciences
Classification: Likely benign for CD2AP-related condition. Last evaluated: 2022-12-19. Review status: no assertion criteria provided. Collection method: clinical testing. Allele origin: germline. Not counted in ClinVar's aggregate classification.
Comment: This variant is classified as likely benign based on ACMG/AMP sequence variant interpretation guidelines (Richards et al. 2015 PMID: 25741868, with internal and published modifications).